The following is an entry in ClinVar:

NM_001347721.2(DYRK1A):c.1171G>C (p.Asp391His)

Gene: DYRK1A (dual specificity tyrosine phosphorylation regulated kinase 1A; plus strand). Cytogenetic location: 21q22.13.
Variant type: single nucleotide variant.
Coding change: c.1171G>C on transcript NM_001347721.2 (MANE Select); coding-DNA position 1171, G replaced by C.
Protein change: p.Asp391His; replaces aspartic acid 391 with histidine.
Molecular consequence: missense variant.
Genome position (GRCh38, 1-based): chr21:37,496,217, G>C. VCF-style: chr21-37496217-G-C. GRCh37 (hg19) VCF-style: chr21-38868519-G-C.
Other names: c.1198G>C (NM_001396.3); c.1171G>C, p.Asp391His (NM_001347722.2, NM_130436.2); c.1084G>C, p.Asp362His (NM_001347723.2); c.1198G>C, p.Asp400His (NM_001396.5, NM_101395.2, NM_130438.2); short protein forms D391H, D400H, D362H.
Identifiers: ClinVar variation 1041433 (VCV001041433.10), dbSNP rs764259930, ClinGen allele CA320457202.

ClinVar aggregate classification (germline): Uncertain significance. Review status: criteria provided, multiple submitters, no conflicts (2 of 4 stars). 2 submissions from 2 submitters: Uncertain significance (2). Last evaluated 2025-08-14.

Conditions:
DYRK1A-related intellectual disability syndrome (MRD7). Also called: DYRK1A Syndrome; Intellectual developmental disorder, autosomal dominant 7. Identifiers: Orphanet 464306, MedGen C5568143, MONDO:0013578, OMIM 614104.
Inborn genetic diseases. Identifiers: MedGen C0950123, MeSH D030342.

Allele frequency attached by ClinVar (database versions not stated): gnomAD exomes below 0.00001.
gnomAD v4.1: 5 of 1,614,098 alleles (0.00031%); highest among the groups gnomAD compares: Non-Finnish European, 0.00042%; no homozygotes.

Submissions (2):

Ambry Genetics
Classification: Uncertain significance for Inborn genetic diseases. Last evaluated: 2025-08-14. Review status: criteria provided, single submitter. Criteria: Ambry Variant Classification Scheme 2023. Collection method: clinical testing. Allele origin: germline.

Labcorp Genetics (formerly Invitae), Labcorp
Classification: Uncertain significance for DYRK1A-related intellectual disability syndrome. Last evaluated: 2025-03-05. Review status: criteria provided, single submitter. Criteria: Invitae Variant Classification Sherloc (09022015). Collection method: clinical testing. Allele origin: germline.
Comment: This sequence change replaces aspartic acid, which is acidic and polar, with histidine, which is basic and polar, at codon 400 of the DYRK1A protein (p.Asp400His). This variant is present in population databases (rs764259930, gnomAD 0.0009%). This variant has not been reported in the literature in individuals affected with DYRK1A-related conditions. ClinVar contains an entry for this variant (Variation ID: 1041433). Invitae Evidence Modeling of protein sequence and biophysical properties (such as structural, functional, and spatial information, amino acid conservation, physicochemical variation, residue mobility, and thermodynamic stability) indicates that this missense variant is not expected to disrupt DYRK1A protein function with a negative predictive value of 95%. In summary, the available evidence is currently insufficient to determine the role of this variant in disease. Therefore, it has been classified as a Variant of Uncertain Significance.